The following is an entry in ClinVar:

ClinVar aggregate classification (germline): Likely benign. Review status: criteria provided, multiple submitters, no conflicts (2 of 4 stars). 4 submissions from 4 submitters: Likely benign (4). Last evaluated 2025-09-01.

Conditions:
Holoprosencephaly 9 (HPE9). Also called: PITUITARY ANOMALIES WITH HOLOPROSENCEPHALY-LIKE FEATURES; HOLOPROSENCEPHALY WITH MICROPHTHALMIA AND FIRST BRANCHIAL ARCH ANOMALIES. Identifiers: Orphanet 2162, MedGen C1835819, MONDO:0012563, OMIM 610829.
Postaxial polydactyly-anterior pituitary anomalies-facial dysmorphism syndrome. Also called: Culler-Jones syndrome. Identifiers: Orphanet 420584, MedGen C4014479, MONDO:0014369, OMIM 615849.

Allele frequency attached by ClinVar (database versions not stated): gnomAD exomes 0.00019 and 0.00012; 1000 Genomes Project 0.00020; 1000 Genomes Project 30x 0.00031; gnomAD 0.00033 and 0.00035; TOPMed 0.00036; ESP Exome Variant Server 0.00046; ExAC 0.00014.
gnomAD v4.1: 335 of 1,613,146 alleles (0.021%); highest among the groups gnomAD compares: African/African-American, 0.096%; 1 homozygote.

Submissions (4):

CeGaT Center for Human Genetics Tuebingen
Classification: Likely benign. Last evaluated: 2025-09-01. Review status: criteria provided, single submitter. Criteria: CeGaT Center For Human Genetics Tuebingen Variant Classification Criteria Version 2. Collection method: clinical testing. Allele origin: germline. Affected: yes. Observed: 1 variant allele.
Comment: GLI2: BP4, BP7

Labcorp Genetics (formerly Invitae), Labcorp
Classification: Likely benign for Postaxial polydactyly-anterior pituitary anomalies-facial dysmorphism syndrome; Holoprosencephaly 9. Last evaluated: 2025-07-07. Review status: criteria provided, single submitter. Criteria: Invitae Variant Classification Sherloc (09022015). Collection method: clinical testing. Allele origin: germline.

Blueprint Genetics
Classification: Likely benign. Last evaluated: 2024-07-01. Review status: criteria provided, single submitter. Criteria: ACMG Guidelines, 2015. Collection method: clinical testing. Allele origin: germline.

Eurofins Ntd Llc (ga)
Classification: Likely benign. Last evaluated: 2018-04-03. Review status: criteria provided, single submitter. Criteria: EGL ClinVar v180209 classification definitions. Collection method: clinical testing. Allele origin: germline. Observed: 1 variant allele, 1 heterozygote.

NM_001374353.1(GLI2):c.3309C>T (p.Ser1103=)

Gene: GLI2 (GLI family zinc finger 2; plus strand). Cytogenetic location: 2q14.2.
Variant type: single nucleotide variant.
Coding change: c.3309C>T on transcript NM_001374353.1 (MANE Select); coding-DNA position 3309, C replaced by T.
Protein change: p.Ser1103=; no amino-acid change (serine 1103 retained).
Molecular consequence: synonymous variant.
Genome position (GRCh38, 1-based): chr2:120,989,274, C>T. VCF-style: chr2-120989274-C-T. GRCh37 (hg19) VCF-style: chr2-121746850-C-T.
Other names: c.3360C>T, p.Ser1120= (NM_001371271.1, NM_005270.5); c.2934C>T, p.Ser978= (NM_001374354.1).
Identifiers: ClinVar variation 596576 (VCV000596576.21), dbSNP rs145751002, ClinGen allele CA1852370.
Genomic context (GRCh38, chr2:120,989,274, plus strand): 5'-CAGCCCGGGGCTGCACGGCCAGCGCAGGATGGTGGCTGCGGACTCCAACGTGGGCCCCTC[C>T]GCCCCTATGCTGGGAGGATGCCAGTTAGGCTTTGGGGCGCCCTCCAGCCTGAACAAAAAT-3'
Protein context (NP_001361282.1, residues 1093-1113): MVAADSNVGP[Ser1103=]APMLGGCQLG